The following is an entry in ClinVar:

ClinVar aggregate classification (germline): Conflicting classifications of pathogenicity. Review status: criteria provided, conflicting classifications (1 of 4 stars). 5 submissions from 5 submitters: Uncertain significance (3); Likely benign (1). 1 of the submissions does not count toward it. Last evaluated 2025-09-03.

Conditions:
HPS6-related disorder. Also called: HPS6-related condition.
Hermansky-Pudlak syndrome 6 (HPS6). Identifiers: Orphanet 231512, Orphanet 79430, MedGen C3888007, MONDO:0013558, OMIM 614075.

Allele frequency attached by ClinVar (database versions not stated): gnomAD exomes 0.00016 and 0.00037; gnomAD 0.00025 and 0.00027; TOPMed 0.00025; ExAC 0.00026; ESP Exome Variant Server 0.00081.

Submissions (5):

Mayo Clinic Laboratories, Mayo Clinic
Classification: Likely benign. Last evaluated: 2025-09-03. Review status: criteria provided, single submitter. Criteria: ACMG Guidelines, 2015. Collection method: clinical testing. Allele origin: germline. Observed: 1 variant allele.
Comment: BP4, BP7

CeGaT Center for Human Genetics Tuebingen
Classification: Uncertain significance. Last evaluated: 2024-09-01. Review status: criteria provided, single submitter. Criteria: CeGaT Center For Human Genetics Tuebingen Variant Classification Criteria Version 2. Collection method: clinical testing. Allele origin: germline. Affected: yes. Observed: 1 variant allele.
Comment: HPS6: PM2, BP4

Genetic Services Laboratory, University of Chicago
Classification: Uncertain significance. Last evaluated: 2020-06-10. Review status: criteria provided, single submitter. Criteria: ACMG Guidelines, 2015. Collection method: clinical testing. Allele origin: germline. Affected: no.

Illumina Laboratory Services, Illumina
Classification: Uncertain significance for Hermansky-Pudlak syndrome 6. Last evaluated: 2018-01-12. Review status: criteria provided, single submitter. Criteria: ICSL Variant Classification Criteria 13 December 2019. Collection method: clinical testing. Allele origin: germline.

PreventionGenetics, part of Exact Sciences
Classification: Likely benign for HPS6-related condition. Last evaluated: 2019-08-14. Review status: no assertion criteria provided. Collection method: clinical testing. Allele origin: germline. Not counted in ClinVar's aggregate classification.
Comment: This variant is classified as likely benign based on ACMG/AMP sequence variant interpretation guidelines (Richards et al. 2015 PMID: 25741868, with internal and published modifications).

NM_024747.6(HPS6):c.-5G>A

Genes: HPS6 (HPS6 biogenesis of lysosomal organelles complex 2 subunit 3; plus strand), LOC130004578 (ATAC-STARR-seq lymphoblastoid silent region 2738; plus strand). Cytogenetic location: 10q24.32.
Variant type: single nucleotide variant.
Coding change: c.-5G>A on transcript NM_024747.6 (MANE Select); 5 bases upstream of the start codon, G replaced by A.
Molecular consequence: 5 prime UTR variant.
Genome position (GRCh38, 1-based): chr10:102,065,470, G>A. VCF-style: chr10-102065470-G-A. GRCh37 (hg19) VCF-style: chr10-103825227-G-A.
Other names: p.?.
Identifiers: ClinVar variation 880395 (VCV000880395.24), dbSNP rs376684120, ClinGen allele CA5659712.